The following is an entry in ClinVar:

NM_016938.5(EFEMP2):c.302C>T (p.Pro101Leu)

Gene: EFEMP2 (EGF containing fibulin extracellular matrix protein 2; minus strand). Cytogenetic location: 11q13.1.
Variant type: single nucleotide variant.
Coding change: c.302C>T on transcript NM_016938.5 (MANE Select); coding-DNA position 302, C replaced by T.
Protein change: p.Pro101Leu; replaces proline 101 with leucine.
Molecular consequence: missense variant. On other transcripts: non-coding transcript variant (1).
Genome position (GRCh38, 1-based): chr11:65,871,222, G>A on the plus strand (C>T on the coding strand, the complement: EFEMP2 is on the minus strand). VCF-style: chr11-65871222-G-A. GRCh37 (hg19) VCF-style: chr11-65638693-G-A.
Other names: short protein forms P101L.
Identifiers: ClinVar variation 3226927 (VCV003226927.1), dbSNP rs1859959460, ClinGen allele CA381309363.

ClinVar aggregate classification (germline): Uncertain significance (1 of 4 stars; one submission).

Conditions:
Cardiovascular phenotype. Identifiers: MedGen CN230736.

Submission:

Ambry Genetics
Classification: Uncertain significance for Cardiovascular phenotype. Last evaluated: 2023-12-14. Review status: criteria provided, single submitter. Criteria: Ambry Variant Classification Scheme 2023. Collection method: clinical testing. Allele origin: germline.
Comment: The p.P101L variant (also known as c.302C>T), located in coding exon 3 of the EFEMP2 gene, results from a C to T substitution at nucleotide position 302. The proline at codon 101 is replaced by leucine, an amino acid with similar properties. This amino acid position is conserved. In addition, this alteration is predicted to be tolerated by in silico analysis. Since supporting evidence is limited at this time, the clinical significance of this alteration remains unclear.